The following is an entry in ClinVar:

ClinVar aggregate classification (germline): Uncertain significance (1 of 4 stars; one submission).

Conditions:
Hypertrophic cardiomyopathy. Also called: HYPERTROPHIC MYOCARDIOPATHY. Identifiers: Orphanet 217569, MedGen C0007194, MeSH D002312, MONDO:0005045, HP:0001639.

Submission:

Labcorp Genetics (formerly Invitae), Labcorp
Classification: Uncertain significance for Hypertrophic cardiomyopathy. Last evaluated: 2020-04-21. Review status: criteria provided, single submitter. Criteria: Invitae Variant Classification Sherloc (09022015). Collection method: clinical testing. Allele origin: germline.
Comment: Algorithms developed to predict the effect of sequence changes on RNA splicing suggest that this variant may disrupt the consensus splice site, but this prediction has not been confirmed by published transcriptional studies. In summary, the available evidence is currently insufficient to determine the role of this variant in disease. Therefore, it has been classified as a Variant of Uncertain Significance. This variant is found within a region of MYH7 between codons 181 and 937 that contains the majority of the myosin head domain. Missense variants in this region have been shown to be significantly overrepresented in individuals with hypertrophic cardiomyopathy (PMID: 27532257). Algorithms developed to predict the effect of missense changes on protein structure and function are either unavailable or do not agree on the potential impact of this missense change (SIFT: "Deleterious"; PolyPhen-2: "Probably Damaging"; Align-GVGD: "Class C0"). This variant has not been reported in the literature in individuals with MYH7-related conditions. This variant is not present in population databases (ExAC no frequency). This sequence change replaces aspartic acid with histidine at codon 299 of the MYH7 protein (p.Asp299His). The aspartic acid residue is highly conserved and there is a moderate physicochemical difference between aspartic acid and histidine.

Literature cited by the submitters: PubMed 27532257.

NM_000257.4(MYH7):c.895G>C (p.Asp299His)

Gene: MYH7 (myosin heavy chain 7; minus strand). Cytogenetic location: 14q11.2.
Variant type: single nucleotide variant.
Coding change: c.895G>C on transcript NM_000257.4 (MANE Select); coding-DNA position 895, G replaced by C.
Protein change: p.Asp299His; replaces aspartic acid 299 with histidine.
Molecular consequence: missense variant.
Genome position (GRCh38, 1-based): chr14:23,430,901, C>G on the plus strand (G>C on the coding strand, the complement: MYH7 is on the minus strand). VCF-style: chr14-23430901-C-G. GRCh37 (hg19) VCF-style: chr14-23900110-C-G.
Other names: short protein forms D299H.
Identifiers: ClinVar variation 1009423 (VCV001009423.8), dbSNP rs1060501444, ClinGen allele CA389051811.
Genomic context (GRCh38, chr14:23,430,901, plus strand): 5'-AAGCAGAGGGGACCAGGTTGCCATGGAGATAGTTGGTCTCAGTCGGTGGCTCTGACTCAC[C>G]CAGCAGCTCAGGCTTTTTGTTAGACAGGATTTGGTAGAAAATGTGATAATCTCTCTCTGC-3'
Protein context (NP_000248.2, residues 289-309): ILSNKKPELL[Asp299His]MLLITNNPYD